The following is an entry in ClinVar:

NM_001267550.2(TTN):c.98265_98268dup (p.His32757fs)

Genes: TTN (titin; minus strand), TTN-AS1 (TTN antisense RNA 1; plus strand). Cytogenetic location: 2q31.2.
Variant type: Duplication.
Coding change: c.98265_98268dup on transcript NM_001267550.2 (MANE Select); coding-DNA positions 98265 to 98268, 4 bases duplicated (AACA; older notation c.98265_98268dupAACA).
Protein change: p.His32757fs; shifts the reading frame from histidine 32757.
Molecular consequence: frameshift variant. On other transcripts: non-coding transcript variant (1).
Genome position (GRCh38, 1-based): chr2:178,539,797-178,539,800, TGTT duplicated on the plus strand (AACA on the coding strand, the reverse complement: TTN is on the minus strand); duplicating any 4 consecutive bases within chr2:178,539,797-178,539,801 gives the same sequence; the c. name uses the placement nearest the transcript's 3' end. VCF-style (leftmost placement, unchanged base first): chr2-178539796-G-GTGTT. GRCh37 (hg19) VCF-style: chr2-179404523-G-GTGTT.
Other names: c.93342_93345dup, p.His31116fs (NM_001256850.1); c.71070_71073dup, p.His23692fs (NM_003319.4); c.90561_90564dup, p.His30189fs (NM_133378.4); c.71445_71448dup, p.His23817fs (NM_133432.3); c.71646_71649dup, p.His23884fs (NM_133437.4); c.98265_98268dupAACA (LRG_391t1); short protein forms H23692fs, H30189fs, H23817fs, H31116fs, H23884fs, H32757fs.
Identifiers: ClinVar variation 223303 (VCV000223303.1), dbSNP rs869312067, ClinGen allele CA353333.

ClinVar aggregate classification (germline): Likely pathogenic. Review status: criteria provided, single submitter (1 of 4 stars). 2 submissions from 1 submitter: Likely pathogenic (1). 1 of the submissions does not count toward it. Last evaluated 2014-10-08.

Conditions:
Primary dilated cardiomyopathy (DCM). Also called: Dilated Cardiomyopathy. Identifiers: Orphanet 217604, MedGen C0007193, MeSH D002311, MONDO:0005021, HP:0001644. Inheritance: Various modes of inheritance.

Submissions (2):

Cardiovascular Biomedical Research Unit, Royal Brompton & Harefield NHS Foundation Trust
Classification: Likely pathogenic for Primary dilated cardiomyopathy. Last evaluated: 2014-10-08. Review status: criteria provided, single submitter. Criteria: Roberts et al. 2015. Collection method: research. Allele origin: germline. Inheritance: Autosomal dominant inheritance. Affected: yes. Observed: 1 variant allele. Study: Endstage DCM.
Comment: In the seven cohorts assessed, TTNtv were found in 14% of ambulant DCM, 22% end-stage or familial DCM, and 2% controls. Heterozygous nonsense, frameshift and canonical splice-disrupting variants found in constitutive and other highly utilised exons are highly likely to be pathogenic when identified in individuals with phenotypically confirmed DCM. TTNtv found incidentally in healthy individuals (excluding familial assessment of DCM relatives) are thought to have low penetrance, particularly when identified in exons that are not constitutively expressed in the heart.

Cardiovascular Biomedical Research Unit, Royal Brompton & Harefield NHS Foundation Trust
Classification: Likely pathogenic for Primary dilated cardiomyopathy. Last evaluated: 2014-10-08. Review status: flagged submission. Criteria: Roberts et al. 2015. Collection method: research. Allele origin: germline. Inheritance: Autosomal dominant inheritance. Affected: yes. Observed: 1 variant allele. Study: Unselected DCM. Not counted in ClinVar's aggregate classification.
Comment: the same text as in the submission from Cardiovascular Biomedical Research Unit, Royal Brompton & Harefield NHS Foundation Trust above.
ClinVar note: Reason: This record appears to be redundant with a more recent record from the same submitter.
ClinVar note: Notes: SCV000189676 appears to be redundant with SCV000189708.